The following is an entry in ClinVar:

GRCh37/hg19 1q21.2(chr1:149041013-149699420)x1

Genes: FAM72C (family with sequence similarity 72 member C; minus strand), PPIAL4C (peptidylprolyl isomerase A like 4C; plus strand), TRH-GTG2-1 (tRNA-His (GTG) 2-1). Cytogenetic location: 1q21.2.
Variant type: copy number loss.
Change: copy number 1 (one copy instead of two) of chr1:149,041,013-149,699,420 (658.4 kb, GRCh37 coordinates, 1-based), cytogenetic band 1q21.2.
Identifiers: ClinVar variation 32283 (VCV000032283.3).

ClinVar aggregate classification (germline): Benign. Review status: no assertion criteria provided (0 of 4 stars). 2 submissions from 1 submitter: Benign (1). 1 of the submissions does not count toward it. Last evaluated 2013-08-02.

Submissions (2):

ISCA site 4
Classification: Benign. Last evaluated: 2013-08-02. Review status: no assertion criteria provided. Collection method: clinical testing. Allele origin: unknown. Affected: yes. Observed: 11 variant alleles. Clinical features observed: Incoordination (HP:0002311), Short stature (HP:0004322), Developmental delay AND/OR other significant developmental or morphological phenotypes, Seizure (HP:0001275), Intellectual disability (HP:0001249), Autism (HP:0000717), Global developmental delay (HP:0001263), Abnormality of head and neck (HP:0000152), Abnormality of the mouth (HP:0000153).

ISCA site 4
Classification: Benign. Last evaluated: 2011-08-12. Review status: flagged submission. Criteria: Kaminsky et al. (Genet Med. 2011). Collection method: clinical testing. Allele origin: unknown. Affected: yes. Observed: 2 variant alleles. Not counted in ClinVar's aggregate classification.
Comment: Copy number variation identified through the course of routine clinical cytogenomic testing in postnatal populations. Clinical assertions have been curated as described in Kaminsky et al. 2011.
ClinVar note: Reason: This record appears to be redundant with a more recent record from the same submitter.
ClinVar note: Notes: SCV000077647 appears to be redundant with SCV000173102.